The following is an entry in ClinVar:

NM_002504.6(NFX1):c.1638A>G (p.Val546=)

Gene: NFX1 (nuclear transcription factor, X-box binding 1; plus strand). Cytogenetic location: 9p13.3.
Variant type: single nucleotide variant.
Coding change: c.1638A>G on transcript NM_002504.6 (MANE Select); coding-DNA position 1638, A replaced by G.
Protein change: p.Val546=; no amino-acid change (valine 546 retained).
Molecular consequence: synonymous variant.
Genome position (GRCh38, 1-based): chr9:33,318,780, A>G. VCF-style: chr9-33318780-A-G. GRCh37 (hg19) VCF-style: chr9-33318778-A-G.
Other names: c.1638A>G, p.Val546= (NM_001318758.2, NM_147134.4).
Identifiers: ClinVar variation 2673172 (VCV002673172.23), dbSNP rs144522602, ClinGen allele CA5025024.

ClinVar aggregate classification (germline): Likely benign (1 of 4 stars; one submission).

Allele frequency attached by ClinVar (database versions not stated): 1000 Genomes Project 0.00060; 1000 Genomes Project 30x 0.00062; ExAC 0.00119; TOPMed 0.00145; gnomAD 0.00146; ESP Exome Variant Server 0.00192; gnomAD exomes 0.00265.
gnomAD v4.1: 4,047 of 1,614,226 alleles (0.25%); highest among the groups gnomAD compares: Non-Finnish European, 0.32%; 4 homozygotes.

Submission:

CeGaT Center for Human Genetics Tuebingen
Classification: Likely benign. Last evaluated: 2023-11-01. Review status: criteria provided, single submitter. Criteria: CeGaT Center For Human Genetics Tuebingen Variant Classification Criteria Version 2. Collection method: clinical testing. Allele origin: germline. Affected: yes. Observed: 1 variant allele.
Comment: NFX1: BP4, BP7